The following is an entry in ClinVar:

NM_000466.3(PEX1):c.1827C>T (p.Ala609=)

Gene: PEX1 (peroxisomal biogenesis factor 1; minus strand). Cytogenetic location: 7q21.2.
Variant type: single nucleotide variant.
Coding change: c.1827C>T on transcript NM_000466.3 (MANE Select); coding-DNA position 1827, C replaced by T.
Protein change: p.Ala609=; no amino-acid change (alanine 609 retained).
Molecular consequence: synonymous variant.
Genome position (GRCh38, 1-based): chr7:92,506,321, G>A on the plus strand (C>T on the coding strand, the complement: PEX1 is on the minus strand). VCF-style: chr7-92506321-G-A. GRCh37 (hg19) VCF-style: chr7-92135635-G-A.
Other names: c.1827C>T, p.Ala609= (NM_001282677.2); c.1203C>T, p.Ala401= (NM_001282678.2); c.1827C>T (NM_000466.2).
Identifiers: ClinVar variation 1150730 (VCV001150730.11), dbSNP rs766421421, ClinGen allele CA4341281.

ClinVar aggregate classification (germline): Likely benign. Review status: criteria provided, single submitter (1 of 4 stars). 2 submissions from 2 submitters: Likely benign (1). 1 of the submissions does not count toward it. Last evaluated 2025-02-07.

Conditions:
Zellweger spectrum disorders (ZS). Also called: Zellweger Spectrum Disorder; Zellweger Spectrum; Zellweger syndrome; Zellweger Spectrum Disorder (ZSD). Identifiers: Orphanet 912, MedGen C0043459, MONDO:0019609.
PEX1-related disorder. Also called: PEX1-related condition.

Allele frequency attached by ClinVar (database versions not stated): gnomAD exomes below 0.00001 and 0.00001; ExAC 0.00001; TOPMed 0.00001; gnomAD 0.00003 and 0.00004.
gnomAD v4.1: 14 of 1,609,074 alleles (0.00087%); highest among the groups gnomAD compares: Admixed American, 0.0017%; no homozygotes.

Submissions (2):

Labcorp Genetics (formerly Invitae), Labcorp
Classification: Likely benign for Zellweger spectrum disorders. Last evaluated: 2025-02-07. Review status: criteria provided, single submitter. Criteria: Invitae Variant Classification Sherloc (09022015). Collection method: clinical testing. Allele origin: germline.

PreventionGenetics, part of Exact Sciences
Classification: Likely benign for PEX1-related condition. Last evaluated: 2023-09-08. Review status: no assertion criteria provided. Collection method: clinical testing. Allele origin: germline. Not counted in ClinVar's aggregate classification.
Comment: This variant is classified as likely benign based on ACMG/AMP sequence variant interpretation guidelines (Richards et al. 2015 PMID: 25741868, with internal and published modifications).